The following is an entry in ClinVar:

ClinVar aggregate classification (germline): Benign (1 of 4 stars; one submission).

Conditions:
Ehlers-Danlos syndrome, classic type, 2 (EDSCL2). Also called: Ehlers-Danlos syndrome, type 2; Ehlers-Danlos syndrome type 2 (formerly); Ehlers-Danlos Syndrome, Classic Type, COL5A2-Related. Identifiers: Orphanet 287, Orphanet 90318, MedGen C0268336, MONDO:0019568, OMIM 130010.

Allele frequency attached by ClinVar (database versions not stated): gnomAD 0.00399 and 0.00382; 1000 Genomes Project 0.00419; TOPMed 0.00419; 1000 Genomes Project 30x 0.00422.

Submission:

Illumina Laboratory Services, Illumina
Classification: Benign for Ehlers-Danlos syndrome, classic type, 2. Last evaluated: 2018-01-12. Review status: criteria provided, single submitter. Criteria: ICSL Variant Classification Criteria 13 December 2019. Collection method: clinical testing. Allele origin: germline.
Comment: This variant was observed in the ICSL laboratory as part of a predisposition screen in an ostensibly healthy population. It had not been previously curated by ICSL or reported in the Human Gene Mutation Database (HGMD: prior to June 1st, 2018), and was therefore a candidate for classification through an automated scoring system. Utilizing variant allele frequency, disease prevalence and penetrance estimates, and inheritance mode, an automated score was calculated to assess if this variant is too frequent to cause the disease. Based on the score and internal cut-off values, a variant classified as benign is not then subjected to further curation. The score for this variant resulted in a classification of benign for this disease.

NM_000393.5(COL5A2):c.*1076G>A

Gene: COL5A2 (collagen type V alpha 2 chain; minus strand). Cytogenetic location: 2q32.2.
Variant type: single nucleotide variant.
Coding change: c.*1076G>A on transcript NM_000393.5 (MANE Select); 1076 bases downstream of the stop codon, G replaced by A.
Molecular consequence: 3 prime UTR variant.
Genome position (GRCh38, 1-based): chr2:189,032,994, C>T on the plus strand (G>A on the coding strand, the complement: COL5A2 is on the minus strand). VCF-style: chr2-189032994-C-T. GRCh37 (hg19) VCF-style: chr2-189897720-C-T.
Identifiers: ClinVar variation 333110 (VCV000333110.6), dbSNP rs114123906, ClinGen allele CA10612184.
Genomic context (GRCh38, chr2:189,032,994, plus strand): 5'-GAATAATAACAGAAGCATAGCACCTTTCAGTATCTAAAATATAAACAAGAATAGTAAGTC[C>T]ATCCCAGCTTCTAGAGATGAGGTAGCTCATGCTAAGAAATGTTGGGTCATTTTTCCTATG-3'